The following is an entry in ClinVar:

NM_001035.3(RYR2):c.12778A>G (p.Ser4260Gly)

Genes: RYR2 (ryanodine receptor 2; plus strand), LOC126806068 (BRD4-independent group 4 enhancer GRCh37_chr1:237947411-237948610; plus strand). Cytogenetic location: 1q43.
Variant type: single nucleotide variant.
Coding change: c.12778A>G on transcript NM_001035.3 (MANE Select); coding-DNA position 12778, A replaced by G.
Protein change: p.Ser4260Gly; replaces serine 4260 with glycine.
Molecular consequence: missense variant.
Genome position (GRCh38, 1-based): chr1:237,784,490, A>G. VCF-style: chr1-237784490-A-G. GRCh37 (hg19) VCF-style: chr1-237947790-A-G.
Other names: c.12778A>G, p.Ser4260Gly (LRG_402t1); short protein forms S4260G.
Identifiers: ClinVar variation 629525 (VCV000629525.6), dbSNP rs1416980159, ClinGen allele CA345414145.

ClinVar aggregate classification (germline): Uncertain significance. Review status: criteria provided, multiple submitters, no conflicts (2 of 4 stars). 2 submissions from 2 submitters: Uncertain significance (2). Last evaluated 2025-12-15.

Conditions:
Catecholaminergic polymorphic ventricular tachycardia 1. Also called: RYR2-Related Catecholaminergic Polymorphic Ventricular Tachycardia; VENTRICULAR TACHYCARDIA, CATECHOLAMINERGIC POLYMORPHIC, 1, WITH OR WITHOUT ATRIAL DYSFUNCTION AND/OR DILATED CARDIOMYOPATHY; VENTRICULAR TACHYCARDIA, STRESS-INDUCED POLYMORPHIC 1. Identifiers: Orphanet 3286, MedGen C1631597, MONDO:0011484, OMIM 604772.
Cardiomyopathy (CMYO). Also called: Cardiomyopathies. Identifiers: Orphanet 167848, MedGen C0878544, MONDO:0004994, HP:0001638. Inheritance: Various modes of inheritance.

Allele frequency attached by ClinVar (database versions not stated): gnomAD exomes below 0.00001; TOPMed below 0.00001.
gnomAD v4.1: 6 of 1,613,706 alleles (0.00037%); highest among the groups gnomAD compares: South Asian, 0.0055%; no homozygotes.

Submissions (2):

Labcorp Genetics (formerly Invitae), Labcorp
Classification: Uncertain significance for Catecholaminergic polymorphic ventricular tachycardia 1. Last evaluated: 2025-12-15. Review status: criteria provided, single submitter. Criteria: Invitae Variant Classification Sherloc (09022015). Collection method: clinical testing. Allele origin: germline.
Comment: This sequence change replaces serine, which is neutral and polar, with glycine, which is neutral and non-polar, at codon 4260 of the RYR2 protein (p.Ser4260Gly). This variant is present in population databases (no rsID available, gnomAD 0.006%). This variant has not been reported in the literature in individuals affected with RYR2-related conditions. ClinVar contains an entry for this variant (Variation ID: 629525). Invitae Evidence Modeling of protein sequence and biophysical properties (such as structural, functional, and spatial information, amino acid conservation, physicochemical variation, residue mobility, and thermodynamic stability) has been performed for this missense variant. However, the output from this modeling did not meet the statistical confidence thresholds required to predict the impact of this variant on RYR2 protein function. In summary, the available evidence is currently insufficient to determine the role of this variant in disease. Therefore, it has been classified as a Variant of Uncertain Significance.

Color Diagnostics, LLC DBA Color Health
Classification: Uncertain significance for Cardiomyopathy. Last evaluated: 2024-03-11. Review status: criteria provided, single submitter. Criteria: ACMG Guidelines, 2015. Collection method: clinical testing. Allele origin: germline.
Comment: This missense variant replaces serine with glycine at codon 4260 of the RYR2 protein. Computational prediction is inconclusive regarding the impact of this variant on protein structure and function (internally defined REVEL score threshold 0.5 < inconclusive < 0.7, PMID: 27666373). To our knowledge, functional studies have not been reported for this variant. This variant has not been reported in individuals affected with RYR2-related disorders in the literature. This variant has been identified in 1/247454 chromosomes in the general population by the Genome Aggregation Database (gnomAD). The available evidence is insufficient to determine the role of this variant in disease conclusively. Therefore, this variant is classified as a Variant of Uncertain Significance.